The following is an entry in ClinVar:

ClinVar aggregate classification (germline): Uncertain significance (1 of 4 stars; one submission).

Conditions:
Spermatogenic failure 18. Identifiers: MedGen C4539783, MONDO:0054615, OMIM 617576.
Ciliary dyskinesia, primary, 37 (CILD37). Also called: CILIARY DYSKINESIA, PRIMARY, 37, WITH OR WITHOUT SITUS INVERSUS. Identifiers: MedGen C4539798, MONDO:0033204, OMIM 617577.

Allele frequency attached by ClinVar (database versions not stated): ExAC 0.00001; gnomAD 0.00001; gnomAD exomes 0.00001; TOPMed 0.00002; 1000 Genomes Project 0.00020; 1000 Genomes Project 30x 0.00031.
gnomAD v4.1: 7 of 1,611,482 alleles (0.00043%); highest among the groups gnomAD compares: African/African-American, 0.0067%; no homozygotes.

Submission:

Labcorp Genetics (formerly Invitae), Labcorp
Classification: Uncertain significance for Ciliary dyskinesia, primary, 37; Spermatogenic failure 18. Last evaluated: 2020-06-24. Review status: criteria provided, single submitter. Criteria: Invitae Variant Classification Sherloc (09022015). Collection method: clinical testing. Allele origin: germline.
Comment: In summary, the available evidence is currently insufficient to determine the role of this variant in disease. Therefore, it has been classified as a Variant of Uncertain Significance. Nucleotide substitutions within the consensus splice site are a relatively common cause of aberrant splicing (PMID: 17576681, 9536098). Algorithms developed to predict the effect of sequence changes on RNA splicing suggest that this variant may disrupt the consensus splice site, but this prediction has not been confirmed by published transcriptional studies. This variant has not been reported in the literature in individuals with DNAH1-related conditions. This variant is present in population databases (rs548883682, ExAC 0.01%). This sequence change falls in intron 46 of the DNAH1 gene. It does not directly change the encoded amino acid sequence of the DNAH1 protein, but it affects a nucleotide within the consensus splice site of the intron.

Literature cited by the submitters: PubMed 17576681; PubMed 9536098.

NM_015512.5(DNAH1):c.7198+4A>C

Gene: DNAH1 (dynein axonemal heavy chain 1; plus strand). Cytogenetic location: 3p21.1.
Variant type: single nucleotide variant.
Coding change: c.7198+4A>C on transcript NM_015512.5 (MANE Select); 4 bases into the intron after coding-DNA position 7198, A replaced by C.
Molecular consequence: intron variant.
Genome position (GRCh38, 1-based): chr3:52,375,997, A>C. VCF-style: chr3-52375997-A-C. GRCh37 (hg19) VCF-style: chr3-52410013-A-C.
Identifiers: ClinVar variation 1014116 (VCV001014116.4), dbSNP rs548883682, ClinGen allele CA2434803.
Genomic context (GRCh38, chr3:52,375,997, plus strand): 5'-TCTCCCTCCATCCTCTAGATGGACTCCTTGGAGAAAAAAGCTACCGGGAGCGTGTGCGTA[A>C]GTGTGGGCCTGGGCGGGAATGGGGCACTGGTTCCAGGAGGAGCCCTGGGCTCTGGTTGGG-3'